The following is an entry in ClinVar:

ClinVar aggregate classification (germline): Uncertain significance (1 of 4 stars; one submission).

Submission:

Labcorp Genetics (formerly Invitae), Labcorp
Classification: Uncertain significance. Last evaluated: 2023-03-07. Review status: criteria provided, single submitter. Criteria: Invitae Variant Classification Sherloc (09022015). Collection method: clinical testing. Allele origin: germline.
Comment: This sequence change results in a frameshift in the RPL19 gene (p.Leu188Ilefs*30). While this is not anticipated to result in nonsense mediated decay, it is expected to disrupt the last 9 amino acid(s) of the RPL19 protein and extend the protein by 20 additional amino acid residues. In summary, the available evidence is currently insufficient to determine the role of this variant in disease. Therefore, it has been classified as a Variant of Uncertain Significance. Experimental studies and prediction algorithms are not available or were not evaluated, and the functional significance of this variant is currently unknown. This frameshift has been observed in individual(s) with Diamond Blackfan anaemia (PMID: 22431104, 30503522). The frequency data for this variant in the population databases is considered unreliable, as metrics indicate poor data quality at this position in the gnomAD database.

Literature cited by the submitters: PubMed 22431104; PubMed 30503522.

NM_000981.4(RPL19):c.562_563del (p.Leu188fs)

Gene: RPL19 (ribosomal protein L19; plus strand). Cytogenetic location: 17q12.
Variant type: Deletion.
Coding change: c.562_563del on transcript NM_000981.4 (MANE Select); coding-DNA positions 562 to 563, 2 bases deleted (TT; older notation c.562_563delTT).
Protein change: p.Leu188fs; shifts the reading frame from leucine 188.
Molecular consequence: frameshift variant.
Genome position (GRCh38, 1-based): chr17:39,204,619-39,204,620, TT deleted; deleting any 2 consecutive bases within chr17:39,204,618-39,204,620 gives the same sequence; the c. name uses the placement nearest the transcript's 3' end. VCF-style (leftmost placement, unchanged base first): chr17-39204617-CTT-C. GRCh37 (hg19) VCF-style: chr17-37360870-CTT-C.
Other names: c.556_557del, p.Leu186fs (NM_001330200.1); short protein forms L186fs, L188fs.
Identifiers: ClinVar variation 2915507 (VCV002915507.3), dbSNP rs1567822912, ClinGen allele CA625924543.